The following is an entry in ClinVar:

NM_152618.3(BBS12):c.1279A>G (p.Ile427Val)

Gene: BBS12 (Bardet-Biedl syndrome 12; plus strand). Cytogenetic location: 4q27.
Variant type: single nucleotide variant.
Coding change: c.1279A>G on transcript NM_152618.3 (MANE Select); coding-DNA position 1279, A replaced by G.
Protein change: p.Ile427Val; replaces isoleucine 427 with valine.
Molecular consequence: missense variant.
Genome position (GRCh38, 1-based): chr4:122,743,171, A>G. VCF-style: chr4-122743171-A-G. GRCh37 (hg19) VCF-style: chr4-123664326-A-G.
Other names: c.1279A>G, p.Ile427Val (NM_001178007.2); short protein forms I427V.
Identifiers: ClinVar variation 2199779 (VCV002199779.4), dbSNP rs2485075995, ClinGen allele CA358224781.

ClinVar aggregate classification (germline): Uncertain significance (1 of 4 stars; one submission).

Conditions:
Bardet-Biedl syndrome (BBS). Identifiers: Orphanet 110, MedGen C0752166, MONDO:0015229.

Submission:

Labcorp Genetics (formerly Invitae), Labcorp
Classification: Uncertain significance for Bardet-Biedl syndrome. Last evaluated: 2022-08-08. Review status: criteria provided, single submitter. Criteria: Invitae Variant Classification Sherloc (09022015). Collection method: clinical testing. Allele origin: germline.
Comment: In summary, the available evidence is currently insufficient to determine the role of this variant in disease. Therefore, it has been classified as a Variant of Uncertain Significance. Algorithms developed to predict the effect of missense changes on protein structure and function output the following: SIFT: "Tolerated"; PolyPhen-2: "Benign"; Align-GVGD: "Class C0". The valine amino acid residue is found in multiple mammalian species, which suggests that this missense change does not adversely affect protein function. This variant has not been reported in the literature in individuals affected with BBS12-related conditions. This variant is not present in population databases (gnomAD no frequency). This sequence change replaces isoleucine, which is neutral and non-polar, with valine, which is neutral and non-polar, at codon 427 of the BBS12 protein (p.Ile427Val).